The following is an entry in ClinVar:

ClinVar aggregate classification (germline): Uncertain significance (1 of 4 stars; one submission).

Conditions:
Porokeratosis 7, multiple types. Also called: POROK7. Identifiers: MedGen C3553549, MONDO:0013868, OMIM 614714.

gnomAD v4.1: 57 of 1,553,984 alleles (0.0037%); highest among the groups gnomAD compares: African/African-American, 0.0055%; no homozygotes.

Submission:

Clinical Genomics Laboratory, Washington University in St. Louis
Classification: Uncertain significance for Porokeratosis 7, multiple types. Last evaluated: 2025-11-21. Review status: criteria provided, single submitter. Criteria: ACMG Guidelines, 2015. Collection method: clinical testing. Allele origin: germline.
Comment: An MVD c.604-7C>T variant was identified at a near heterozygous allelic fraction of 49.4%, a frequency which may be consistent with it being of germline origin. The MVD c.604-7C>T variant, to our knowledge, has not been reported in the medical literature. This variant is observed in 57/1,553,984 alleles in the general population (gnomAD v4.1.0). Computational predictors indicate that the variant has no impact on splicing, evidence that this variant does not have a damaging effect on MVD function. Due to limited information, and based on ACMG/AMP guidelines for variant interpretation (Richards S et al., PMID: 25741868), the clinical significance of this variant is uncertain at this time.

NM_002461.3(MVD):c.604-7C>T

Gene: MVD (mevalonate diphosphate decarboxylase; minus strand). Cytogenetic location: 16q24.2.
Variant type: single nucleotide variant.
Coding change: c.604-7C>T on transcript NM_002461.3 (MANE Select); 7 bases into the intron before coding-DNA position 604, C replaced by T.
Molecular consequence: intron variant.
Genome position (GRCh38, 1-based): chr16:88,655,737, G>A on the plus strand (C>T on the coding strand, the complement: MVD is on the minus strand). VCF-style: chr16-88655737-G-A. GRCh37 (hg19) VCF-style: chr16-88722145-G-A.
Identifiers: ClinVar variation 4974593 (VCV004974593.1).